The following is an entry in ClinVar:

NM_000057.4(BLM):c.2893T>A (p.Ser965Thr)

Gene: BLM (BLM RecQ like helicase; plus strand). Cytogenetic location: 15q26.1.
Variant type: single nucleotide variant.
Coding change: c.2893T>A on transcript NM_000057.4 (MANE Select); coding-DNA position 2893, T replaced by A.
Protein change: p.Ser965Thr; replaces serine 965 with threonine.
Molecular consequence: missense variant.
Genome position (GRCh38, 1-based): chr15:90,790,718, T>A. VCF-style: chr15-90790718-T-A. GRCh37 (hg19) VCF-style: chr15-91333948-T-A.
Other names: c.2893T>A, p.Ser965Thr (NM_001287246.2, NM_001287247.2); c.1768T>A, p.Ser590Thr (NM_001287248.2); short protein forms S590T, S965T.
Identifiers: ClinVar variation 1038550 (VCV001038550.8), dbSNP rs1349078237, ClinGen allele CA393846360.

ClinVar aggregate classification (germline): Uncertain significance. Review status: criteria provided, multiple submitters, no conflicts (2 of 4 stars). 3 submissions from 3 submitters: Uncertain significance (3). Last evaluated 2024-12-05.

Conditions:
Hereditary cancer-predisposing syndrome. Also called: Neoplastic Syndromes, Hereditary; Hereditary Cancer Syndrome; Tumor predisposition; Hereditary neoplastic syndrome. Identifiers: Orphanet 140162, MedGen C0027672, MeSH D009386, MONDO:0015356.
Bloom syndrome (BLM). Also called: Bloom-Torre-Machacek syndrome. Identifiers: Orphanet 125, MedGen C0005859, MONDO:0008876, OMIM 210900.

Submissions (3):

Labcorp Genetics (formerly Invitae), Labcorp
Classification: Uncertain significance for Bloom syndrome. Last evaluated: 2024-12-05. Review status: criteria provided, single submitter. Criteria: Invitae Variant Classification Sherloc (09022015). Collection method: clinical testing. Allele origin: germline.
Comment: This sequence change replaces serine, which is neutral and polar, with threonine, which is neutral and polar, at codon 965 of the BLM protein (p.Ser965Thr). This variant is not present in population databases (gnomAD no frequency). This variant has not been reported in the literature in individuals affected with BLM-related conditions. ClinVar contains an entry for this variant (Variation ID: 1038550). Invitae Evidence Modeling of protein sequence and biophysical properties (such as structural, functional, and spatial information, amino acid conservation, physicochemical variation, residue mobility, and thermodynamic stability) indicates that this missense variant is not expected to disrupt BLM protein function with a negative predictive value of 80%. In summary, the available evidence is currently insufficient to determine the role of this variant in disease. Therefore, it has been classified as a Variant of Uncertain Significance.

Ambry Genetics
Classification: Uncertain significance for Hereditary cancer-predisposing syndrome. Last evaluated: 2023-12-17. Review status: criteria provided, single submitter. Criteria: Ambry Variant Classification Scheme 2023. Collection method: clinical testing. Allele origin: germline.
Comment: The p.S965T variant (also known as c.2893T>A), located in coding exon 14 of the BLM gene, results from a T to A substitution at nucleotide position 2893. The serine at codon 965 is replaced by threonine, an amino acid with similar properties. This amino acid position is conserved. In addition, the in silico prediction for this alteration is inconclusive. Since supporting evidence is limited at this time, the clinical significance of this alteration remains unclear.

Sema4
Classification: Uncertain significance for Hereditary cancer-predisposing syndrome. Last evaluated: 2022-02-05. Review status: criteria provided, single submitter. Criteria: Sema4 Curation Guidelines. Collection method: curation. Allele origin: germline.
Comment: The BLM c.2893T>A (p.S965T) variant has not been reported in the literature to our knowledge. It was not observed in the large and broad cohorts of the Genome Aggregation Database (PMID: 32461654). This variant has been reported in ClinVar (Variation ID 1038550). Functional studies have not been performed, and in silico predictions of the variant's effect on protein function are inconclusive. The evidence is insufficient to meet ACMG/AMP criteria for classifying the variant as benign or pathogenic. Thus, the clinical significance of this variant is currently uncertain.